The following is an entry in ClinVar:

ClinVar aggregate classification (germline): Likely pathogenic (1 of 4 stars; one submission).

Allele frequency attached by ClinVar (database versions not stated): gnomAD exomes 0.00001; ExAC 0.00002.
gnomAD v4.1: 11 of 1,613,892 alleles (0.00068%); highest among the groups gnomAD compares: Non-Finnish European, 0.00093%; no homozygotes.

Submission:

Labcorp Genetics (formerly Invitae), Labcorp
Classification: Likely pathogenic. Last evaluated: 2025-07-30. Review status: criteria provided, single submitter. Criteria: Invitae Variant Classification Sherloc (09022015). Collection method: clinical testing. Allele origin: germline.
Comment: This sequence change affects an acceptor splice site in intron 11 of the DGAT1 gene. It is expected to disrupt RNA splicing. Variants that disrupt the donor or acceptor splice site typically lead to a loss of protein function (PMID: 16199547), and loss-of-function variants in DGAT1 are known to be pathogenic (PMID: 29604290). This variant is present in population databases (rs782274204, gnomAD 0.004%). Disruption of this splice site has been observed in individual(s) with autosomal recessive congenital diarrhea disorders (PMID: 29604290). ClinVar contains an entry for this variant (Variation ID: 2152052). Algorithms developed to predict the effect of sequence changes on RNA splicing suggest that this variant may disrupt the consensus splice site. In summary, the currently available evidence indicates that the variant is pathogenic, but additional data are needed to prove that conclusively. Therefore, this variant has been classified as Likely Pathogenic.

Literature cited by the submitters: PubMed 16199547; PubMed 29604290.

NM_012079.6(DGAT1):c.937-1G>A

Gene: DGAT1 (diacylglycerol O-acyltransferase 1; minus strand). Cytogenetic location: 8q24.3.
Variant type: single nucleotide variant.
Coding change: c.937-1G>A on transcript NM_012079.6 (MANE Select); the canonical splice acceptor site of the intron before coding-DNA position 937, G replaced by A.
Molecular consequence: splice acceptor variant.
Genome position (GRCh38, 1-based): chr8:144,317,589, C>T on the plus strand (G>A on the coding strand, the complement: DGAT1 is on the minus strand). VCF-style: chr8-144317589-C-T. GRCh37 (hg19) VCF-style: chr8-145541252-C-T.
Identifiers: ClinVar variation 2152052 (VCV002152052.4), dbSNP rs782274204, ClinGen allele CA4936748.